The following is an entry in ClinVar:

ClinVar aggregate classification (germline): Uncertain significance. Review status: criteria provided, multiple submitters, no conflicts (2 of 4 stars). 2 submissions from 2 submitters: Uncertain significance (2). Last evaluated 2024-10-10.

Conditions:
Catecholaminergic polymorphic ventricular tachycardia (CVPT). Also called: Catecholamine-induced polymorphic ventricular tachycardia. Identifiers: Orphanet 3286, MedGen C5574922, MONDO:0017990.
Catecholaminergic polymorphic ventricular tachycardia 1. Also called: VENTRICULAR TACHYCARDIA, CATECHOLAMINERGIC POLYMORPHIC, 1, WITH OR WITHOUT ATRIAL DYSFUNCTION AND/OR DILATED CARDIOMYOPATHY; RYR2-Related Catecholaminergic Polymorphic Ventricular Tachycardia; VENTRICULAR TACHYCARDIA, STRESS-INDUCED POLYMORPHIC 1. Identifiers: Orphanet 3286, MedGen C1631597, MONDO:0011484, OMIM 604772.

Allele frequency attached by ClinVar (database versions not stated): gnomAD exomes below 0.00001.
gnomAD v4.1: 2 of 1,613,910 alleles (0.00012%); highest among the groups gnomAD compares: East Asian, 0.0022%; no homozygotes.

Submissions (2):

Labcorp Genetics (formerly Invitae), Labcorp
Classification: Uncertain significance for Catecholaminergic polymorphic ventricular tachycardia 1. Last evaluated: 2024-10-10. Review status: criteria provided, single submitter. Criteria: Invitae Variant Classification Sherloc (09022015). Collection method: clinical testing. Allele origin: germline.
Comment: This sequence change replaces alanine, which is neutral and non-polar, with valine, which is neutral and non-polar, at codon 2513 of the RYR2 protein (p.Ala2513Val). This variant is present in population databases (no rsID available, gnomAD 0.006%). This variant has not been reported in the literature in individuals affected with RYR2-related conditions. Invitae Evidence Modeling of protein sequence and biophysical properties (such as structural, functional, and spatial information, amino acid conservation, physicochemical variation, residue mobility, and thermodynamic stability) indicates that this missense variant is expected to disrupt RYR2 protein function with a positive predictive value of 95%. In summary, the available evidence is currently insufficient to determine the role of this variant in disease. Therefore, it has been classified as a Variant of Uncertain Significance.

All of Us Research Program, National Institutes of Health
Classification: Uncertain significance for Catecholaminergic polymorphic ventricular tachycardia. Last evaluated: 2023-12-13. Review status: criteria provided, single submitter. Criteria: ACMG Guidelines, 2015. Collection method: clinical testing. Allele origin: germline. Inheritance: Autosomal dominant inheritance. Observed: 1 variant allele, 1 heterozygote.
Comment: This missense variant replaces alanine with valine at codon 2513 of the RYR2 protein. Computational prediction suggests that this variant may have deleterious impact on protein structure and function (internally defined REVEL score threshold >= 0.7, PMID: 27666373). To our knowledge, functional studies have not been reported for this variant. This variant has not been reported in individuals affected with RYR2-related disorders in the literature. This variant has been identified in 2/249190 chromosomes in the general population by the Genome Aggregation Database (gnomAD). The available evidence is insufficient to determine the role of this variant in disease conclusively. Therefore, this variant is classified as a Variant of Uncertain Significance.

This study involves interpretation of variants in research participants for the purpose of population health screening. Participant phenotype was not available at the time of variant classification. Additional details can be found in publication PMID: 35346344, PMCID: PMC8962531

NM_001035.3(RYR2):c.7538C>T (p.Ala2513Val)

Gene: RYR2 (ryanodine receptor 2; plus strand). Cytogenetic location: 1q43.
Variant type: single nucleotide variant.
Coding change: c.7538C>T on transcript NM_001035.3 (MANE Select); coding-DNA position 7538, C replaced by T.
Protein change: p.Ala2513Val; replaces alanine 2513 with valine.
Molecular consequence: missense variant.
Genome position (GRCh38, 1-based): chr1:237,649,902, C>T. VCF-style: chr1-237649902-C-T. GRCh37 (hg19) VCF-style: chr1-237813202-C-T.
Other names: short protein forms A2513V.
Identifiers: ClinVar variation 2738209 (VCV002738209.4), dbSNP rs1244631309, ClinGen allele CA345399036.